The following is an entry in ClinVar:

NM_001048174.2(MUTYH):c.1327C>G (p.Pro443Ala)

Gene: MUTYH (mutY DNA glycosylase; minus strand). Cytogenetic location: 1p34.1.
Variant type: single nucleotide variant.
Coding change: c.1327C>G on transcript NM_001048174.2 (MANE Select); coding-DNA position 1327, C replaced by G.
Protein change: p.Pro443Ala; replaces proline 443 with alanine.
Molecular consequence: missense variant. On other transcripts: non-coding transcript variant (2).
Genome position (GRCh38, 1-based): chr1:45,331,247, G>C on the plus strand (C>G on the coding strand, the complement: MUTYH is on the minus strand). VCF-style: chr1-45331247-G-C. GRCh37 (hg19) VCF-style: chr1-45796919-G-C.
Other names: c.1327C>G, p.Pro443Ala (NM_001407073.1, NM_001407081.1, NM_001048171.2 and 6 more transcripts); c.1243C>G, p.Pro415Ala (NM_001407075.1); c.1360C>G, p.Pro454Ala (NM_001407077.1, NM_001293191.2, NM_001407069.1); c.1330C>G, p.Pro444Ala (NM_001407078.1, NM_001048172.2, NM_001407071.1 and 1 more transcripts); c.1288C>G, p.Pro430Ala (NM_001407079.1); c.1285C>G, p.Pro429Ala (NM_001407080.1); c.982C>G, p.Pro328Ala (NM_001407082.1, NM_001350650.2, NM_001350651.2); c.1369C>G, p.Pro457Ala (NM_001407083.1, NM_001407085.1); and 5 more; short protein forms P351A, P468A, P471A, P328A, P443A, P444A, P458A, P415A.
Identifiers: ClinVar variation 1963657 (VCV001963657.7), dbSNP rs864622204, ClinGen allele CA340132631.

ClinVar aggregate classification (germline): Conflicting classifications of pathogenicity. Review status: criteria provided, conflicting classifications (1 of 4 stars). 2 submissions from 2 submitters: Uncertain significance (1); Likely benign (1). Last evaluated 2022-12-01.

Conditions:
Hereditary cancer-predisposing syndrome. Also called: Hereditary neoplastic syndrome; Neoplastic Syndromes, Hereditary; Tumor predisposition; Hereditary Cancer Syndrome. Identifiers: Orphanet 140162, MedGen C0027672, MeSH D009386, MONDO:0015356.
Familial adenomatous polyposis 2. Also called: FAP type 2; MUTYH-related attenuated familial adenomatous polyposis; COLORECTAL ADENOMATOUS POLYPOSIS, AUTOSOMAL RECESSIVE; ADENOMAS, MULTIPLE COLORECTAL, AUTOSOMAL RECESSIVE; MUTYH Polyposis; Adenomas, multiple colorectal. Identifiers: Orphanet 220460, Orphanet 247798, MedGen C3272841, MONDO:0012041, OMIM 608456.

Submissions (2):

Ambry Genetics
Classification: Likely benign for Hereditary cancer-predisposing syndrome. Last evaluated: 2022-12-01. Review status: criteria provided, single submitter. Criteria: Ambry Variant Classification Scheme 2023. Collection method: clinical testing. Allele origin: germline.

Labcorp Genetics (formerly Invitae), Labcorp
Classification: Uncertain significance for Familial adenomatous polyposis 2. Last evaluated: 2022-10-06. Review status: criteria provided, single submitter. Criteria: Invitae Variant Classification Sherloc (09022015). Collection method: clinical testing. Allele origin: germline.
Comment: This variant has not been reported in the literature in individuals affected with MUTYH-related conditions. This sequence change replaces proline, which is neutral and non-polar, with alanine, which is neutral and non-polar, at codon 471 of the MUTYH protein (p.Pro471Ala). This variant is not present in population databases (gnomAD no frequency). Algorithms developed to predict the effect of missense changes on protein structure and function output the following: SIFT: "Tolerated"; PolyPhen-2: "Benign"; Align-GVGD: "Class C0". The alanine amino acid residue is found in multiple mammalian species, which suggests that this missense change does not adversely affect protein function. In summary, the available evidence is currently insufficient to determine the role of this variant in disease. Therefore, it has been classified as a Variant of Uncertain Significance.